The following is an entry in ClinVar:

NM_001267550.2(TTN):c.104251G>C (p.Ala34751Pro)

Genes: TTN-AS1 (TTN antisense RNA 1; plus strand), TTN (titin; minus strand). Cytogenetic location: 2q31.2.
Variant type: single nucleotide variant.
Coding change: c.104251G>C on transcript NM_001267550.2 (MANE Select); coding-DNA position 104251, G replaced by C.
Protein change: p.Ala34751Pro; replaces alanine 34751 with proline.
Molecular consequence: missense variant.
Genome position (GRCh38, 1-based): chr2:178,532,364, C>G on the plus strand (G>C on the coding strand, the complement: TTN is on the minus strand). VCF-style: chr2-178532364-C-G. GRCh37 (hg19) VCF-style: chr2-179397091-C-G.
Other names: p.A33110P:GCC>CCC; p.Ala33110Pro; c.99328G>C, p.Ala33110Pro (NM_001256850.1); c.77056G>C, p.Ala25686Pro (NM_003319.4); c.96547G>C, p.Ala32183Pro (NM_133378.4); c.77431G>C, p.Ala25811Pro (NM_133432.3); c.77632G>C, p.Ala25878Pro (NM_133437.4); short protein forms A34751P, A32183P, A33110P, A25686P, A25878P, A25811P.
Identifiers: ClinVar variation 47667 (VCV000047667.96), dbSNP rs185683410, ClinGen allele CA141656.
Genomic context (GRCh38, chr2:178,532,364, plus strand): 5'-CATCCTCCCTCTCAGCCATGATTCTTTGCCGTTGCTTTGGCTGTCTGTACGCAGCCTGGG[C>G]ATGCCGTTCCCTCAGTTCTGCATAACTTGTACTAGCTTCAGCCTTCGTTGGGATGTGATA-3'
Protein context (NP_001254479.2, residues 34741-34761): TSYAELRERH[Ala34751Pro]QAAYRQPKQR

ClinVar aggregate classification (germline): Conflicting classifications of pathogenicity. Review status: criteria provided, conflicting classifications (1 of 4 stars). 21 submissions from 17 submitters: Uncertain significance (4); Benign (11); Likely benign (3). 3 of the submissions do not count toward it. Last evaluated 2026-06-01.

Conditions:
Dilated cardiomyopathy 1G (CMD1G). Identifiers: Orphanet 154, MedGen C1858763, MONDO:0011400, OMIM 604145.
Autosomal recessive limb-girdle muscular dystrophy type 2J (LGMDR10). Also called: MUSCULAR DYSTROPHY, LIMB-GIRDLE, AUTOSOMAL RECESSIVE 10; Limb-girdle muscular dystrophy, type 2J. Identifiers: Orphanet 140922, MedGen C1837342, MONDO:0012127, OMIM 608807.
Cardiovascular phenotype. Identifiers: MedGen CN230736.
TTN-related disorder. Also called: TTN-related disorders; TTN-related condition; TTN-related disease.
Cardiomyopathy (CMYO). Also called: Cardiomyopathies. Identifiers: Orphanet 167848, MedGen C0878544, MONDO:0004994, HP:0001638. Inheritance: Various modes of inheritance.
Early-onset myopathy with fatal cardiomyopathy (CMYO5). Also called: CONGENITAL MYOPATHY 5 WITH CARDIOMYOPATHY; Salih Myopathy. Identifiers: Orphanet 289377, MedGen C2673677, MONDO:0012714, OMIM 611705. Disease mechanism: loss of function.
Myopathy, myofibrillar, 9, with early respiratory failure (MFM9). Also called: Myopathy, distal, with early respiratory failure, autosomal dominant; Hereditary myopathy with early respiratory failure; MYOPATHY, PROXIMAL, WITH EARLY RESPIRATORY MUSCLE INVOLVEMENT; EDSTROM MYOPATHY. Identifiers: Orphanet 178464, Orphanet 34521, MedGen C1863599, MONDO:0011362, OMIM 603689.
Tibial muscular dystrophy (TMD). Also called: Udd Distal Myopathy – Tibial Muscular Dystrophy; Tibial muscular dystrophy, tardive; UDD MYOPATHY. Identifiers: Orphanet 609, MedGen C1838244, MONDO:0010870, OMIM 600334.

Allele frequency attached by ClinVar (database versions not stated): gnomAD 0.00094 and 0.00096; ExAC 0.00122; 1000 Genomes Project 0.00020; TOPMed 0.00111; ESP Exome Variant Server 0.00096; gnomAD exomes 0.00165; 1000 Genomes Project 30x 0.00016.
gnomAD v4.1: 1,499 of 1,614,034 alleles (0.093%); highest among the groups gnomAD compares: Middle Eastern, 0.21%; 20 homozygotes.

Submissions (21):

CeGaT Center for Human Genetics Tuebingen
Classification: Benign. Last evaluated: 2026-06-01. Review status: criteria provided, single submitter. Criteria: CeGaT Center For Human Genetics Tuebingen Variant Classification Criteria Version 2. Collection method: clinical testing. Allele origin: germline. Affected: yes. Observed: 52 variant alleles.
Comment: TTN: BP4, BS1, BS2

Labcorp Genetics (formerly Invitae), Labcorp
Classification: Likely benign for Dilated cardiomyopathy 1G; Autosomal recessive limb-girdle muscular dystrophy type 2J. Last evaluated: 2026-02-01. Review status: criteria provided, single submitter. Criteria: Invitae Variant Classification Sherloc (09022015). Collection method: clinical testing. Allele origin: germline.

Mayo Clinic Laboratories, Mayo Clinic
Classification: Benign. Last evaluated: 2025-08-06. Review status: criteria provided, single submitter. Criteria: ACMG Guidelines, 2015. Collection method: clinical testing. Allele origin: germline. Observed: 1 variant allele.
Comment: BS1, BS2, BP4

ARUP Laboratories, Molecular Genetics and Genomics, ARUP Laboratories
Classification: Likely benign. Last evaluated: 2025-04-28. Review status: criteria provided, single submitter. Criteria: ARUP Molecular Germline Variant Investigation Process 2024. Collection method: clinical testing. Allele origin: germline.

Athena Diagnostics
Classification: Benign. Last evaluated: 2025-04-17. Review status: criteria provided, single submitter. Criteria: Athena Diagnostics Criteria. Collection method: clinical testing. Allele origin: unknown.
Comment: The frequency of this variant in the general population is higher than would generally be expected for pathogenic variants in this gene.

Molecular Diagnostic Laboratory for Inherited Cardiovascular Disease, Montreal Heart Institute
Classification: Benign. Last evaluated: 2025-04-09. Review status: criteria provided, single submitter. Criteria: ACMG Guidelines, 2015. Collection method: clinical testing. Allele origin: germline. Affected: no.

Women's Health and Genetics/Laboratory Corporation of America, LabCorp
Classification: Benign. Last evaluated: 2021-03-15. Review status: criteria provided, single submitter. Criteria: LabCorp Variant Classification Summary - May 2015. Collection method: clinical testing. Allele origin: germline.
Comment: Variant summary: TTN c.96547G>C (p.Ala32183Pro) results in a non-conservative amino acid change in the encoded protein sequence. Three of five in-silico tools predict a benign effect of the variant on protein function. The variant allele was found at a frequency of 0.0017 in 249140 control chromosomes in the gnomAD database, including 4 homozygotes. The observed variant frequency is approximately 4 fold of the estimated maximal expected allele frequency for a pathogenic variant in TTN causing Dilated Cardiomyopathy phenotype (0.00039), strongly suggesting that the variant is benign. To our knowledge, no occurrence of c.96547G>C in individuals affected with Dilated Cardiomyopathy and no experimental evidence demonstrating its impact on protein function have been reported. Seven clinical diagnostic laboratories have submitted clinical-significance assessments for this variant to ClinVar after 2014 without evidence for independent evaluation (benign, n=5; likely benign, n=1; VUS, n=1). Based on the evidence outlined above, the variant was classified as benign.

Laboratory for Molecular Medicine, Mass General Brigham Personalized Medicine
Classification: Benign. Last evaluated: 2020-08-05. Review status: criteria provided, single submitter. Criteria: LMM Criteria. Collection method: clinical testing. Allele origin: germline. Observed: 9 variant alleles.
Comment: The p.Ala32183Pro variant in TTN is classified as benign because it has been identified in 3% (319/10354) of Ashkenazi Jewish chromosomes, including 3 homozygotes, by gnomAD. ACMG/AMP Criteria applied: BA1.

CHEO Genetics Diagnostic Laboratory, Children's Hospital of Eastern Ontario
Classification: Benign for Cardiomyopathy. Last evaluated: 2019-03-15. Review status: criteria provided, single submitter. Criteria: ACMG Guidelines, 2015. Collection method: clinical testing. Allele origin: germline.

Illumina Laboratory Services, Illumina
Classification: Uncertain significance for Autosomal recessive limb-girdle muscular dystrophy type 2J. Last evaluated: 2018-01-13. Review status: criteria provided, single submitter. Criteria: ICSL Variant Classification Criteria 13 December 2019. Collection method: clinical testing. Allele origin: germline.

Illumina Laboratory Services, Illumina
Classification: Uncertain significance for Early-onset myopathy with fatal cardiomyopathy. Last evaluated: 2018-01-13. Review status: criteria provided, single submitter. Criteria: ICSL Variant Classification Criteria 13 December 2019. Collection method: clinical testing. Allele origin: germline.

Illumina Laboratory Services, Illumina
Classification: Benign for Myopathy, myofibrillar, 9, with early respiratory failure. Last evaluated: 2018-01-13. Review status: criteria provided, single submitter. Criteria: ICSL Variant Classification Criteria 13 December 2019. Collection method: clinical testing. Allele origin: germline.
Comment: This variant was observed in the ICSL laboratory as part of a predisposition screen in an ostensibly healthy population. It had not been previously curated by ICSL or reported in the Human Gene Mutation Database (HGMD: prior to June 1st, 2018), and was therefore a candidate for classification through an automated scoring system. Utilizing variant allele frequency, disease prevalence and penetrance estimates, and inheritance mode, an automated score was calculated to assess if this variant is too frequent to cause the disease. Based on the score and internal cut-off values, a variant classified as benign is not then subjected to further curation. The score for this variant resulted in a classification of benign for this disease.

Illumina Laboratory Services, Illumina
Classification: Benign for Tibial muscular dystrophy. Last evaluated: 2018-01-13. Review status: criteria provided, single submitter. Criteria: ICSL Variant Classification Criteria 13 December 2019. Collection method: clinical testing. Allele origin: germline.
Comment: the same text as in the submission from Illumina Laboratory Services, Illumina above.

Illumina Laboratory Services, Illumina
Classification: Uncertain significance for Dilated cardiomyopathy 1G. Last evaluated: 2018-01-13. Review status: criteria provided, single submitter. Criteria: ICSL Variant Classification Criteria 13 December 2019. Collection method: clinical testing. Allele origin: germline.

GeneDx
Classification: Benign. Last evaluated: 2018-01-08. Review status: criteria provided, single submitter. Criteria: GeneDx Variant Classification (06012015). Collection method: clinical testing. Allele origin: germline. Affected: yes.
Comment: This variant is considered likely benign or benign based on one or more of the following criteria: it is a conservative change, it occurs at a poorly conserved position in the protein, it is predicted to be benign by multiple in silico algorithms, and/or has population frequency not consistent with disease.

Eurofins Ntd Llc (ga)
Classification: Benign. Last evaluated: 2017-09-08. Review status: criteria provided, single submitter. Criteria: EGL Classification Definitions 2015. Collection method: clinical testing. Allele origin: germline. Observed: 12 variant alleles, 12 heterozygotes.

Biesecker Lab/Clinical Genomics Section, National Institutes of Health
Classification: Likely benign. Last evaluated: 2013-06-24. Review status: criteria provided, single submitter. Criteria: Ng et al. (Circ Cardiovasc Genet. 2013). Collection method: research. Allele origin: unknown. Observed: 4 variant alleles. Study: ClinSeq.
Comment: The study set was not selected for affection status in relation to any cancer. Pathogenicity categories were based on literature curation. See Pubmed ID:23861362 for details.

Medical sequencing

Ambry Genetics
Classification: Uncertain significance for Cardiovascular phenotype. Last evaluated: 2012-12-14. Review status: criteria provided, single submitter. Criteria: Ambry Autosomal Dominant and X-Linked criteria (10/2015). Collection method: clinical testing. Allele origin: germline. Observed: 1 variant allele.
Comment: There is insufficient or conflicting evidence for classification of this alteration.

PreventionGenetics, part of Exact Sciences
Classification: Benign for TTN-related condition. Last evaluated: 2019-10-23. Review status: no assertion criteria provided. Collection method: clinical testing. Allele origin: germline. Not counted in ClinVar's aggregate classification.
Comment: This variant is classified as benign based on ACMG/AMP sequence variant interpretation guidelines (Richards et al. 2015 PMID: 25741868, with internal and published modifications).

Clinical Genetics DNA and cytogenetics Diagnostics Lab, Erasmus MC, Erasmus Medical Center
Classification: Benign. Review status: no assertion criteria provided. Collection method: clinical testing. Allele origin: germline. Affected: yes. Study: VKGL Data-share Consensus. Not counted in ClinVar's aggregate classification.

Clinical Genetics, Academic Medical Center
Classification: Benign. Review status: no assertion criteria provided. Collection method: clinical testing. Allele origin: germline. Affected: yes. Study: VKGL Data-share Consensus. Not counted in ClinVar's aggregate classification.

Literature cited by the submitters: PubMed 32746448 (cited by Mayo Clinic Laboratories, Mayo Clinic).